The following is an entry in ClinVar:

NM_020632.3(ATP6V0A4):c.2081G>C (p.Arg694Pro)

Gene: ATP6V0A4 (ATPase H+ transporting V0 subunit a4; minus strand). Cytogenetic location: 7q34.
Variant type: single nucleotide variant.
Coding change: c.2081G>C on transcript NM_020632.3 (MANE Select); coding-DNA position 2081, G replaced by C.
Protein change: p.Arg694Pro; replaces arginine 694 with proline.
Molecular consequence: missense variant.
Genome position (GRCh38, 1-based): chr7:138,721,955, C>G on the plus strand (G>C on the coding strand, the complement: ATP6V0A4 is on the minus strand). VCF-style: chr7-138721955-C-G. GRCh37 (hg19) VCF-style: chr7-138406700-C-G.
Other names: c.2081G>C, p.Arg694Pro (NM_130840.3, NM_130841.3); c.2081G>C (NM_020632.2); short protein forms R694P.
Identifiers: ClinVar variation 2063111 (VCV002063111.3), dbSNP rs761402968, ClinGen allele CA4504545.

ClinVar aggregate classification (germline): Uncertain significance. Review status: criteria provided, multiple submitters, no conflicts (2 of 4 stars). 2 submissions from 2 submitters: Uncertain significance (2). Last evaluated 2024-08-19.

Conditions:
Inborn genetic diseases. Identifiers: MedGen C0950123, MeSH D030342.

gnomAD v4.1: 26 of 1,614,170 alleles (0.0016%); highest among the groups gnomAD compares: Admixed American, 0.043%; no homozygotes.

Submissions (2):

Ambry Genetics
Classification: Uncertain significance for Inborn genetic diseases. Last evaluated: 2024-08-19. Review status: criteria provided, single submitter. Criteria: Ambry Variant Classification Scheme 2023. Collection method: clinical testing. Allele origin: germline.

Labcorp Genetics (formerly Invitae), Labcorp
Classification: Uncertain significance. Last evaluated: 2024-07-17. Review status: criteria provided, single submitter. Criteria: Invitae Variant Classification Sherloc (09022015). Collection method: clinical testing. Allele origin: germline.
Comment: This sequence change replaces arginine, which is basic and polar, with proline, which is neutral and non-polar, at codon 694 of the ATP6V0A4 protein (p.Arg694Pro). This variant is present in population databases (rs761402968, gnomAD 0.06%). This variant has not been reported in the literature in individuals affected with ATP6V0A4-related conditions. ClinVar contains an entry for this variant (Variation ID: 2063111). An algorithm developed to predict the effect of missense changes on protein structure and function (PolyPhen-2) suggests that this variant¬†is likely to be tolerated. In summary, the available evidence is currently insufficient to determine the role of this variant in disease. Therefore, it has been classified as a Variant of Uncertain Significance.